The following is an entry in ClinVar:

ClinVar aggregate classification (germline): Uncertain significance. Review status: criteria provided, multiple submitters, no conflicts (2 of 4 stars). 2 submissions from 2 submitters: Uncertain significance (2). Last evaluated 2025-12-25.

Conditions:
ANKZF1-related disorder. Also called: ANKZF1-related condition.

Allele frequency attached by ClinVar (database versions not stated): gnomAD exomes 0.00007; ExAC 0.00013; ESP Exome Variant Server 0.00016; 1000 Genomes Project 0.00020; TOPMed 0.00026; 1000 Genomes Project 30x 0.00031; gnomAD 0.00031.
gnomAD v4.1: 145 of 1,610,324 alleles (0.009%); highest among the groups gnomAD compares: African/African-American, 0.095%; no homozygotes.

Submissions (2):

Labcorp Genetics (formerly Invitae), Labcorp
Classification: Uncertain significance. Last evaluated: 2025-12-25. Review status: criteria provided, single submitter. Criteria: Invitae Variant Classification Sherloc (09022015). Collection method: clinical testing. Allele origin: germline.
Comment: This sequence change replaces arginine, which is basic and polar, with histidine, which is basic and polar, at codon 329 of the ANKZF1 protein (p.Arg329His). This variant is present in population databases (rs200210746, gnomAD 0.1%), and has an allele count higher than expected for a pathogenic variant. This variant has not been reported in the literature in individuals affected with ANKZF1-related conditions. ClinVar contains an entry for this variant (Variation ID: 2062631). An algorithm developed to predict the effect of missense changes on protein structure and function (PolyPhen-2) suggests that this variant is likely to be disruptive. In summary, the available evidence is currently insufficient to determine the role of this variant in disease. Therefore, it has been classified as a Variant of Uncertain Significance.

PreventionGenetics, part of Exact Sciences
Classification: Uncertain significance for ANKZF1-related condition. Last evaluated: 2022-11-10. Review status: criteria provided, single submitter. Criteria: ACMG Guidelines, 2015. Collection method: clinical testing. Allele origin: germline.
Comment: The ANKZF1 c.986G>A variant is predicted to result in the amino acid substitution p.Arg329His. To our knowledge, this variant has not been reported in the literature. This variant is reported in 0.11% of alleles in individuals of African descent in gnomAD. Although we suspect that this variant may be benign, at this time, the clinical significance of this variant is uncertain due to the absence of conclusive functional and genetic evidence.

NM_018089.3(ANKZF1):c.986G>A (p.Arg329His)

Gene: ANKZF1 (ankyrin repeat and zinc finger peptidyl tRNA hydrolase 1; plus strand). Cytogenetic location: 2q35.
Variant type: single nucleotide variant.
Coding change: c.986G>A on transcript NM_018089.3 (MANE Select); coding-DNA position 986, G replaced by A.
Protein change: p.Arg329His; replaces arginine 329 with histidine.
Molecular consequence: missense variant.
Genome position (GRCh38, 1-based): chr2:219,233,881, G>A. VCF-style: chr2-219233881-G-A. GRCh37 (hg19) VCF-style: chr2-220098603-G-A.
Other names: c.986G>A, p.Arg329His (NM_001042410.2); c.356G>A, p.Arg119His (NM_001282792.2); c.986G>A (NM_018089.2); short protein forms R119H, R329H.
Identifiers: ClinVar variation 2062631 (VCV002062631.5), dbSNP rs200210746, ClinGen allele CA2120919.
Genomic context (GRCh38, chr2:219,233,881, plus strand): 5'-GCAAGGGAGCACCCCTGCAAAGGGGGGATCCCCGACTTTGGGATATCCCCCTCGCCACCC[G>A]CAGACCCACCTTCCAAGAGCTACAGCGTGTGCTCCATAAGCTGACCACTTTGCATGTCTA-3'
Protein context (NP_060559.2, residues 319-339): PRLWDIPLAT[Arg329His]RPTFQELQRV